The following is an entry in ClinVar:

ClinVar aggregate classification (germline): Likely pathogenic (1 of 4 stars; one submission).

Conditions:
TP63-related ectodermal dysplasia spectrum with limb and orofacial malformations. Identifiers: MedGen CN378757, MONDO:1040001.

Submission:

Department of Pediatric Genetics, University of Health Sciences, Ankara Bilkent City Children’s Hospital
Classification: Likely pathogenic for TP63-related ectodermal dysplasia spectrum with limb and orofacial malformations. Last evaluated: 2024-12-01. Review status: criteria provided, single submitter. Criteria: ACMG Guidelines, 2015. Collection method: clinical testing. Allele origin: de novo. Affected: yes.
Comment: The c.1862del (p.Ser621ThrfsTer83) variant in the TP63 gene (NM_003722.5) is a frameshift variant located in exon 14 and has not been previously reported in ClinVar. This variant is predicted to result in loss of function due to a truncated or absent protein (PVS1). The allele frequency of this variant is not reported, and it is absent from population databases such as gnomAD (PM2). The patient's clinical features are highly specific and strongly correlated with the gene in question, for which a single genetic etiology is well-established. Therefore, PP4 was considered applicable. PM6 was applied because the variant represents a de novo occurrence in a patient with the disease and no family history. In summary, this variant meets the criteria to be classified as likely pathogenic for TP63-related disorder (#603273), based on the ACMG guidelines (Richards et al., 2015), with supporting evidence from criteria PVS1, PM2, PM6, and PP4.

NM_003722.5(TP63):c.1862del (p.Ser621fs)

Gene: TP63 (tumor protein p63; plus strand). Cytogenetic location: 3q28.
Variant type: Deletion.
Coding change: c.1862del on transcript NM_003722.5 (MANE Select); coding-DNA position 1862, one base deleted (G; older notation c.1862delG).
Protein change: p.Ser621fs; shifts the reading frame from serine 621.
Molecular consequence: frameshift variant. On other transcripts: 3 prime UTR variant (6).
Genome position (GRCh38, 1-based): chr3:189,894,321, G deleted. VCF-style (leftmost placement, unchanged base first): chr3-189894320-AG-A. GRCh37 (hg19) VCF-style: chr3-189612109-AG-A.
Other names: c.*100del (NM_001114978.2, NM_001114981.2); c.1580del, p.Ser527fs (NM_001114980.2); c.*90del (NM_001329144.2, NM_001329145.2, NM_001329149.2 and 1 more transcripts); c.1325del, p.Ser442fs (NM_001329146.2); c.1850del, p.Ser617fs (NM_001329148.2); c.1856del, p.Ser619fs (NM_001329964.2); short protein forms S442fs, S527fs, S617fs, S619fs, S621fs.
Identifiers: ClinVar variation 4073586 (VCV004073586.1).